The following is an entry in ClinVar:

ClinVar aggregate classification (germline): Uncertain significance (1 of 4 stars; one submission).

Submission:

Labcorp Genetics (formerly Invitae), Labcorp
Classification: Uncertain significance. Last evaluated: 2023-03-08. Review status: criteria provided, single submitter. Criteria: Invitae Variant Classification Sherloc (09022015). Collection method: clinical testing. Allele origin: germline.
Comment: This sequence change replaces aspartic acid, which is acidic and polar, with glutamic acid, which is acidic and polar, at codon 364 of the AGBL5 protein (p.Asp364Glu). This variant is not present in population databases (gnomAD no frequency). This variant has not been reported in the literature in individuals affected with AGBL5-related conditions. ClinVar contains an entry for this variant (Variation ID: 1428893). Algorithms developed to predict the effect of missense changes on protein structure and function output the following: SIFT: "Not Available"; PolyPhen-2: "Benign"; Align-GVGD: "Not Available". The glutamic acid amino acid residue is found in multiple mammalian species, which suggests that this missense change does not adversely affect protein function. In summary, the available evidence is currently insufficient to determine the role of this variant in disease. Therefore, it has been classified as a Variant of Uncertain Significance.

NM_021831.6(AGBL5):c.1092C>G (p.Asp364Glu)

Gene: AGBL5 (AGBL carboxypeptidase 5; plus strand). Cytogenetic location: 2p23.3.
Variant type: single nucleotide variant.
Coding change: c.1092C>G on transcript NM_021831.6 (MANE Select); coding-DNA position 1092, C replaced by G.
Protein change: p.Asp364Glu; replaces aspartic acid 364 with glutamic acid.
Molecular consequence: missense variant. On other transcripts: non-coding transcript variant (2).
Genome position (GRCh38, 1-based): chr2:27,055,865, C>G. VCF-style: chr2-27055865-C-G. GRCh37 (hg19) VCF-style: chr2-27278733-C-G.
Other names: c.1092C>G, p.Asp364Glu (NM_001035507.3); short protein forms D364E.
Identifiers: ClinVar variation 1428893 (VCV001428893.8), dbSNP rs1176586880, ClinGen allele CA346179115.
Genomic context (GRCh38, chr2:27,055,865, plus strand): 5'-CCAGAGTTCCTCTGAGCACCAGCCCAGTTCCTGTCTCCCTCCTGATGCTCCTGTTTCTGA[C>G]CTGGAGAAAGCCAACAATCTCCAAAATGAAGCTCAGTGTGGGCACTCAGCTGACAGGCAT-3'
Protein context (NP_068603.4, residues 354-374): SCLPPDAPVS[Asp364Glu]LEKANNLQNE